The following is an entry in ClinVar:

NM_001080453.3(INTS1):c.3112C>T (p.Leu1038=)

Gene: INTS1 (integrator complex subunit 1; minus strand). Cytogenetic location: 7p22.3.
Variant type: single nucleotide variant.
Coding change: c.3112C>T on transcript NM_001080453.3 (MANE Select); coding-DNA position 3112, C replaced by T.
Protein change: p.Leu1038=; no amino-acid change (leucine 1038 retained).
Molecular consequence: synonymous variant.
Genome position (GRCh38, 1-based): chr7:1,485,334, G>A on the plus strand (C>T on the coding strand, the complement: INTS1 is on the minus strand). VCF-style: chr7-1485334-G-A. GRCh37 (hg19) VCF-style: chr7-1524970-G-A.
Identifiers: ClinVar variation 716076 (VCV000716076.7), dbSNP rs201645344, ClinGen allele CA4119469.

ClinVar aggregate classification (germline): Benign/Likely benign. Review status: criteria provided, multiple submitters, no conflicts (2 of 4 stars). 3 submissions from 3 submitters: Benign (1); Likely benign (1). 1 of the submissions does not count toward it. Last evaluated 2024-03-09.

Conditions:
INTS1-related disorder. Also called: INTS1-related condition.

Allele frequency attached by ClinVar (database versions not stated): gnomAD exomes 0.00076; ExAC 0.00094; 1000 Genomes Project 30x 0.00219; 1000 Genomes Project 0.00220; ESP Exome Variant Server 0.00326; gnomAD 0.00354; TOPMed 0.00372.
gnomAD v4.1: 919 of 1,611,636 alleles (0.057%); highest among the groups gnomAD compares: African/African-American, 1.1%; 5 homozygotes.

Submissions (3):

Blueprint Genetics
Classification: Likely benign. Last evaluated: 2024-03-09. Review status: criteria provided, single submitter. Criteria: ACMG Guidelines, 2015. Collection method: clinical testing. Allele origin: germline.

Labcorp Genetics (formerly Invitae), Labcorp
Classification: Benign. Last evaluated: 2019-12-31. Review status: criteria provided, single submitter. Criteria: Invitae Variant Classification Sherloc (09022015). Collection method: clinical testing. Allele origin: germline.

PreventionGenetics, part of Exact Sciences
Classification: Benign for INTS1-related condition. Last evaluated: 2019-07-10. Review status: no assertion criteria provided. Collection method: clinical testing. Allele origin: germline. Not counted in ClinVar's aggregate classification.
Comment: This variant is classified as benign based on ACMG/AMP sequence variant interpretation guidelines (Richards et al. 2015 PMID: 25741868, with internal and published modifications).